The following is an entry in ClinVar:

ClinVar aggregate classification (germline): Likely pathogenic. Review status: criteria provided, single submitter (1 of 4 stars). 2 submissions from 2 submitters: Likely pathogenic (1). 1 of the submissions does not count toward it. Last evaluated 2026-06-18.

Conditions:
Cardiovascular phenotype. Identifiers: MedGen CN230736.
Amyloidosis, hereditary systemic 1 (AMYLD1). Also called: Transthyretin Amyloidosis; Hereditary Transthyretin Amyloidosis; Familial amyloid polyneuropathy; AMYLOID CARDIOMYOPATHY; Hereditary oculoleptomeningeal amyloid angiopathy; Familial Transthyretin Amyloidosis. Identifiers: Orphanet 85447, Orphanet 85451, MedGen C2751492, MONDO:0971004, OMIM 105210.

Submissions (2):

Ambry Genetics
Classification: Likely pathogenic for Cardiovascular phenotype. Last evaluated: 2026-06-18. Review status: criteria provided, single submitter. Criteria: Ambry Variant Classification Scheme 2023. Collection method: clinical testing. Allele origin: germline.
Comment: The p.S70I variant (also known as c.209G>T), located in coding exon 3 of the TTR gene, results from a G to T substitution at nucleotide position 209. The serine at codon 70 is replaced by isoleucine, an amino acid with dissimilar properties. This variant was reported in individual(s) with features consistent with hereditary transthyretin-related amyloidosis (Nishi H et al. Biochem Biophys Res Commun, 1992 Aug;187:460-6; Saeki Y et al. FEBS Lett, 1992 Aug;308:35-7; Sakashita N et al. Virchows Arch, 2000 Apr;436:345-50; Nakazato M et al. Nihon Ronen Igakkai Zasshi, 2001 Jul;38:501-6; Yamashita T et al. Muscle Nerve, 2005 Jan;31:41-5; Misumi Y et al. Liver Transpl, 2016 May;22:656-64; Ohashi N et al. Amyloid, 2019 Mar;26:15-23; Ueda M et al. J Neurol Sci, 2020 Jul;414:116813; Usuku H et al. Circ Rep, 2020 Nov;2:730-738; Chen Z et al. J Neuromuscul Dis, 2021;8:723-733; Nishi M et al. Circ J, 2022 Jun;86:1113-1120). Note, this variant is also referred to as p.S50I in the literature. Other variant(s) at the same codon, p.S70R (c.210T>G), have been identified in individual(s) with features consistent with hereditary transthyretin-related amyloidosis (Ueno S et al. Biochem. Biophys. Res. Commun. 1990 Jun;169(3)). This amino acid position is not well conserved in available vertebrate species. In addition, this alteration is predicted to be deleterious by in silico analysis. This variant is considered to be rare based on population cohorts in the Genome Aggregation Database (gnomAD). Based on the majority of available evidence to date, this variant is likely to be pathogenic.

OMIM
Classification: Pathogenic for AMYLOIDOSIS, HEREDITARY SYSTEMIC 1. Last evaluated: 1992-08-31. Review status: no assertion criteria provided. Collection method: literature only. Allele origin: germline. Not counted in ClinVar's aggregate classification.

Literature cited by the submitters: PubMed 10834537 (cited by Ambry Genetics); PubMed 11523162 (cited by Ambry Genetics); PubMed 1520336 (cited by Ambry Genetics and OMIM); PubMed 15536615 (cited by Ambry Genetics); PubMed 1644201 (cited by Ambry Genetics and OMIM); PubMed 26600212 (cited by Ambry Genetics); PubMed 30688105 (cited by Ambry Genetics); PubMed 32353608 (cited by Ambry Genetics); PubMed 33693203 (cited by Ambry Genetics); PubMed 34024775 (cited by Ambry Genetics); PubMed 35599006 (cited by Ambry Genetics).

NM_000371.4(TTR):c.209G>T (p.Ser70Ile)

Gene: TTR (transthyretin; plus strand). Cytogenetic location: 18q12.1.
Variant type: single nucleotide variant.
Coding change: c.209G>T on transcript NM_000371.4 (MANE Select); coding-DNA position 209, G replaced by T.
Protein change: p.Ser70Ile; replaces serine 70 with isoleucine.
Molecular consequence: missense variant.
Genome position (GRCh38, 1-based): chr18:31,595,128, G>T. VCF-style: chr18-31595128-G-T. GRCh37 (hg19) VCF-style: chr18-29175091-G-T.
Other names: S50I; c.209G>T (NM_000371.3); short protein forms S70I.
Identifiers: ClinVar variation 13439 (VCV000013439.3), dbSNP rs121918080, ClinGen allele CA256823.
Genomic context (GRCh38, chr18:31,595,128, plus strand): 5'-TGCCATTTGTTTCCTCCATGCGTAACTTAATCCAGACTTTCACACCTTATAGGAAAACCA[G>T]TGAGTCTGGAGAGCTGCATGGGCTCACAACTGAGGAGGAATTTGTAGAAGGGATATACAA-3'
Protein context (NP_000362.1, residues 60-80): TWEPFASGKT[Ser70Ile]ESGELHGLTT